The following is an entry in ClinVar:

NM_020533.3(MCOLN1):c.520del (p.His174fs)

Gene: MCOLN1 (mucolipin TRP cation channel 1; plus strand). Cytogenetic location: 19p13.2.
Variant type: Deletion.
Coding change: c.520del on transcript NM_020533.3 (MANE Select); coding-DNA position 520, one base deleted (C; older notation c.520delC).
Protein change: p.His174fs; shifts the reading frame from histidine 174.
Molecular consequence: frameshift variant.
Genome position (GRCh38, 1-based): chr19:7,526,875, C deleted; the last of 2 consecutive C bases (chr19:7,526,874-7,526,875); deleting either gives the same sequence. VCF-style (leftmost placement, unchanged base first): chr19-7526873-GC-G. GRCh37 (hg19) VCF-style: chr19-7591759-GC-G.
Other names: short protein forms H174fs.
Identifiers: ClinVar variation 1726914 (VCV001726914.2), dbSNP rs2512469840, ClinGen allele CA2580097102.

ClinVar aggregate classification (germline): Likely pathogenic (1 of 4 stars; one submission).

Conditions:
Mucolipidosis type IV (ML4). Also called: ML IV. Identifiers: Orphanet 578, MedGen C0238286, MONDO:0009653, OMIM 252650.

Submission:

Myriad Genetics, Inc.
Classification: Likely pathogenic for Mucolipidosis type IV. Last evaluated: 2022-01-02. Review status: criteria provided, single submitter. Criteria: Myriad Women's Health Autosomal Recessive and X-Linked Classification Criteria (2021). Collection method: clinical testing. Allele origin: unknown.
Comment: NM_020533.2(MCOLN1):c.520delC(H174Tfs*64) is expected to be pathogenic in the context of mucolipidosis IV. This variant is predicted to lead to an abnormal or absent protein product due to the creation of a premature termination codon in MCOLN1, a gene where loss-of-function variants are known to be pathogenic. Please note: this variant was assessed in the context of healthy population screening.